The following is an entry in ClinVar:

NM_001378778.1(MPDZ):c.5975G>A (p.Arg1992Gln)

Gene: MPDZ (multiple PDZ domain crumbs cell polarity complex component; minus strand). Cytogenetic location: 9p23.
Variant type: single nucleotide variant.
Coding change: c.5975G>A on transcript NM_001378778.1 (MANE Select); coding-DNA position 5975, G replaced by A.
Protein change: p.Arg1992Gln; replaces arginine 1992 with glutamine.
Molecular consequence: missense variant.
Genome position (GRCh38, 1-based): chr9:13,109,027, C>T on the plus strand (G>A on the coding strand, the complement: MPDZ is on the minus strand). VCF-style: chr9-13109027-C-T. GRCh37 (hg19) VCF-style: chr9-13109026-C-T.
Other names: c.5876G>A, p.Arg1959Gln (NM_001261406.2, NM_001375416.1, NM_001375417.1 and 1 more transcripts); c.5789G>A, p.Arg1930Gln (NM_001261407.2, NM_001375419.1); c.5975G>A, p.Arg1992Gln (NM_001330637.2); c.6074G>A, p.Arg2025Gln (NM_001375413.1); c.5765G>A, p.Arg1922Gln (NM_001375420.1, NM_001375421.1, NM_001375422.1 and 2 more transcripts); c.5678G>A, p.Arg1893Gln (NM_001375425.1, NM_001375426.1); c.5567G>A, p.Arg1856Gln (NM_001375427.1); c.5888G>A, p.Arg1963Gln (NM_003829.5); short protein forms R1959Q, R2025Q, R1856Q, R1893Q, R1922Q, R1992Q, R1930Q, R1963Q.
Identifiers: ClinVar variation 1478448 (VCV001478448.6), dbSNP rs767969634, ClinGen allele CA4986007.

ClinVar aggregate classification (germline): Uncertain significance (1 of 4 stars; one submission).

Allele frequency attached by ClinVar (database versions not stated): gnomAD exomes 0.00001; ExAC 0.00002; gnomAD 0.00002; TOPMed 0.00003.
gnomAD v4.1: 7 of 1,580,418 alleles (0.00044%); highest among the groups gnomAD compares: African/African-American, 0.0041%; no homozygotes.

Submission:

Labcorp Genetics (formerly Invitae), Labcorp
Classification: Uncertain significance. Last evaluated: 2023-11-27. Review status: criteria provided, single submitter. Criteria: Invitae Variant Classification Sherloc (09022015). Collection method: clinical testing. Allele origin: germline.
Comment: This sequence change replaces arginine, which is basic and polar, with glutamine, which is neutral and polar, at codon 1963 of the MPDZ protein (p.Arg1963Gln). This variant is present in population databases (rs767969634, gnomAD 0.005%). This variant has not been reported in the literature in individuals affected with MPDZ-related conditions. ClinVar contains an entry for this variant (Variation ID: 1478448). An algorithm developed to predict the effect of missense changes on protein structure and function (PolyPhen-2) suggests that this variant is likely to be disruptive. In summary, the available evidence is currently insufficient to determine the role of this variant in disease. Therefore, it has been classified as a Variant of Uncertain Significance.